The following is an entry in ClinVar:

NM_152703.5(SAMD9L):c.3759C>G (p.Phe1253Leu)

Gene: SAMD9L (sterile alpha motif domain containing 9 like; minus strand). Cytogenetic location: 7q21.2.
Variant type: single nucleotide variant.
Coding change: c.3759C>G on transcript NM_152703.5 (MANE Select); coding-DNA position 3759, C replaced by G.
Protein change: p.Phe1253Leu; replaces phenylalanine 1253 with leucine.
Molecular consequence: missense variant.
Genome position (GRCh38, 1-based): chr7:93,132,213, G>C on the plus strand (C>G on the coding strand, the complement: SAMD9L is on the minus strand). VCF-style: chr7-93132213-G-C. GRCh37 (hg19) VCF-style: chr7-92761526-G-C.
Other names: c.3759C>G, p.Phe1253Leu (NM_001303496.3, NM_001303497.3, NM_001303498.3 and 5 more transcripts); short protein forms F1253L.
Identifiers: ClinVar variation 2505914 (VCV002505914.1), dbSNP rs267601634, ClinGen allele CA368180182.

ClinVar aggregate classification (germline): Uncertain significance (1 of 4 stars; one submission).

Submission:

GeneDx
Classification: Uncertain significance. Last evaluated: 2022-12-12. Review status: criteria provided, single submitter. Criteria: GeneDx Variant Classification Process June 2021. Collection method: clinical testing. Allele origin: germline. Affected: yes.
Comment: Not observed at significant frequency in large population cohorts (gnomAD); In silico analysis supports that this missense variant has a deleterious effect on protein structure/function; Has not been previously published as pathogenic or benign to our knowledge